The following is an entry in ClinVar:

ClinVar aggregate classification (germline): Benign/Likely benign. Review status: criteria provided, multiple submitters, no conflicts (2 of 4 stars). 8 submissions from 8 submitters: Benign (2); Likely benign (5). 1 of the submissions does not count toward it. Last evaluated 2026-01-15.

Conditions:
Familial thoracic aortic aneurysm and aortic dissection (TAAD). Also called: Thoracic aortic aneurysms and dissections. Identifiers: Orphanet 91387, MedGen C4707243, MONDO:0019625.
SKI-related disorder. Also called: SKI-related condition.
Shprintzen-Goldberg syndrome (SGS). Also called: SHPRINTZEN-GOLDBERG CRANIOSYNOSTOSIS SYNDROME; CRANIOSYNOSTOSIS WITH ARACHNODACTYLY AND ABDOMINAL HERNIAS; Marfanoid disorder with craniosynostosis type 1; Marfanoid craniosynostosis syndrome; Shprintzen-Goldberg marfanoid syndrome. Identifiers: Orphanet 2462, MedGen C1321551, MONDO:0008426, OMIM 182212.

Allele frequency attached by ClinVar (database versions not stated): gnomAD 0.00006; ExAC 0.00012; gnomAD exomes 0.00012 and 0.00016; ESP Exome Variant Server 0.00015; 1000 Genomes Project 0.00060; 1000 Genomes Project 30x 0.00062; TOPMed 0.00074.
gnomAD v4.1: 227 of 1,611,216 alleles (0.014%); highest among the groups gnomAD compares: Admixed American, 0.12%; no homozygotes.

Submissions (8):

Labcorp Genetics (formerly Invitae), Labcorp
Classification: Likely benign for Shprintzen-Goldberg syndrome. Last evaluated: 2026-01-15. Review status: criteria provided, single submitter. Criteria: Invitae Variant Classification Sherloc (09022015). Collection method: clinical testing. Allele origin: germline.

CeGaT Center for Human Genetics Tuebingen
Classification: Likely benign. Last evaluated: 2025-12-01. Review status: criteria provided, single submitter. Criteria: CeGaT Center For Human Genetics Tuebingen Variant Classification Criteria Version 2. Collection method: clinical testing. Allele origin: germline. Affected: yes. Observed: 2 variant alleles.
Comment: SKI: BP4, BP7, BS1

Blueprint Genetics
Classification: Likely benign. Last evaluated: 2024-10-30. Review status: criteria provided, single submitter. Criteria: ACMG Guidelines, 2015. Collection method: clinical testing. Allele origin: germline.

Women's Health and Genetics/Laboratory Corporation of America, LabCorp
Classification: Benign. Last evaluated: 2023-08-10. Review status: criteria provided, single submitter. Criteria: LabCorp Variant Classification Summary - May 2015. Collection method: clinical testing. Allele origin: germline.

ARUP Laboratories, Molecular Genetics and Genomics, ARUP Laboratories
Classification: Likely benign for Shprintzen-Goldberg syndrome. Last evaluated: 2019-11-20. Review status: criteria provided, single submitter. Criteria: ARUP Molecular Germline Variant Investigation Process. Collection method: clinical testing. Allele origin: germline.

Ambry Genetics
Classification: Likely benign for Familial thoracic aortic aneurysm and aortic dissection. Last evaluated: 2017-04-13. Review status: criteria provided, single submitter. Criteria: Ambry Variant Classification Scheme 2023. Collection method: clinical testing. Allele origin: germline.

GeneDx
Classification: Benign. Last evaluated: 2015-05-06. Review status: criteria provided, single submitter. Criteria: GeneDx Variant Classification (06012015). Collection method: clinical testing. Allele origin: germline. Affected: yes.
Comment: This variant is considered likely benign or benign based on one or more of the following criteria: it is a conservative change, it occurs at a poorly conserved position in the protein, it is predicted to be benign by multiple in silico algorithms, and/or has population frequency not consistent with disease.

PreventionGenetics, part of Exact Sciences
Classification: Likely benign for SKI-related condition. Last evaluated: 2019-10-29. Review status: no assertion criteria provided. Collection method: clinical testing. Allele origin: germline. Not counted in ClinVar's aggregate classification.
Comment: This variant is classified as likely benign based on ACMG/AMP sequence variant interpretation guidelines (Richards et al. 2015 PMID: 25741868, with internal and published modifications).

NM_003036.4(SKI):c.360C>T (p.Arg120=)

Gene: SKI (SKI proto-oncogene; plus strand). Cytogenetic location: 1p36.33.
Variant type: single nucleotide variant.
Coding change: c.360C>T on transcript NM_003036.4 (MANE Select); coding-DNA position 360, C replaced by T.
Protein change: p.Arg120=; no amino-acid change (arginine 120 retained).
Molecular consequence: synonymous variant.
Genome position (GRCh38, 1-based): chr1:2,229,126, C>T. VCF-style: chr1-2229126-C-T. GRCh37 (hg19) VCF-style: chr1-2160565-C-T.
Other names: p.R120R:CGC>CGT.
Identifiers: ClinVar variation 213682 (VCV000213682.32), dbSNP rs375024753, ClinGen allele CA324809.